The following is an entry in ClinVar:

ClinVar aggregate classification (germline): Uncertain significance (1 of 4 stars; one submission).

Conditions:
Amyotrophic lateral sclerosis type 1 (ALS1). Also called: AMYOTROPHIC LATERAL SCLEROSIS 1, FAMILIAL. Identifiers: Orphanet 803, MedGen C1862939, MONDO:0007103, OMIM 105400.
Charcot-Marie-Tooth disease axonal type 2CC. Also called: CHARCOT-MARIE-TOOTH NEUROPATHY, TYPE 2CC. Identifiers: MedGen C4310790, MONDO:0014836, OMIM 616924.

Submission:

Labcorp Genetics (formerly Invitae), Labcorp
Classification: Uncertain significance. Last evaluated: 2023-04-22. Review status: criteria provided, single submitter. Criteria: Invitae Variant Classification Sherloc (09022015). Collection method: clinical testing. Allele origin: germline.
Comment: In summary, the available evidence is currently insufficient to determine the role of this variant in disease. Therefore, it has been classified as a Variant of Uncertain Significance. Advanced modeling of protein sequence and biophysical properties (such as structural, functional, and spatial information, amino acid conservation, physicochemical variation, residue mobility, and thermodynamic stability) performed at Invitae indicates that this missense variant is not expected to disrupt NEFH protein function. ClinVar contains an entry for this variant (Variation ID: 2008322). This variant has not been reported in the literature in individuals affected with NEFH-related conditions. This variant is not present in population databases (gnomAD no frequency). This sequence change replaces lysine, which is basic and polar, with arginine, which is basic and polar, at codon 790 of the NEFH protein (p.Lys790Arg).

NM_021076.4(NEFH):c.2369A>G (p.Lys790Arg)

Gene: NEFH (neurofilament heavy chain; plus strand). Cytogenetic location: 22q12.2.
Variant type: single nucleotide variant.
Coding change: c.2369A>G on transcript NM_021076.4 (MANE Select); coding-DNA position 2369, A replaced by G.
Protein change: p.Lys790Arg; replaces lysine 790 with arginine.
Molecular consequence: missense variant.
Genome position (GRCh38, 1-based): chr22:29,490,009, A>G. VCF-style: chr22-29490009-A-G. GRCh37 (hg19) VCF-style: chr22-29885998-A-G.
Other names: c.2369A>G (NM_021076.3); short protein forms K790R.
Identifiers: ClinVar variation 2008322 (VCV002008322.5), dbSNP rs2517978879, ClinGen allele CA411137145.